The following is an entry in ClinVar:

NM_002691.4(POLD1):c.35G>A (p.Gly12Glu)

Gene: POLD1 (DNA polymerase delta 1, catalytic subunit; plus strand). Cytogenetic location: 19q13.33.
Variant type: single nucleotide variant.
Coding change: c.35G>A on transcript NM_002691.4 (MANE Select); coding-DNA position 35, G replaced by A.
Protein change: p.Gly12Glu; replaces glycine 12 with glutamic acid.
Molecular consequence: missense variant. On other transcripts: non-coding transcript variant (1).
Genome position (GRCh38, 1-based): chr19:50,398,886, G>A. VCF-style: chr19-50398886-G-A. GRCh37 (hg19) VCF-style: chr19-50902143-G-A.
Other names: c.35G>A, p.Gly12Glu (NM_001256849.1, NM_001308632.1); c.35G>A (NM_002691.2); short protein forms G12E.
Identifiers: ClinVar variation 2870624 (VCV002870624.4), dbSNP rs1389018181, ClinGen allele CA406970015.

ClinVar aggregate classification (germline): Conflicting classifications of pathogenicity. Review status: criteria provided, conflicting classifications (1 of 4 stars). 2 submissions from 2 submitters: Uncertain significance (1); Likely benign (1). Last evaluated 2025-08-15.

Conditions:
Hereditary cancer-predisposing syndrome. Also called: Neoplastic Syndromes, Hereditary; Tumor predisposition; Hereditary Cancer Syndrome; Hereditary neoplastic syndrome. Identifiers: Orphanet 140162, MedGen C0027672, MeSH D009386, MONDO:0015356.
POLD1-related polyposis and colorectal cancer syndrome (CRCS10). Also called: Colorectal cancer 10; COLORECTAL CANCER, SUSCEPTIBILITY TO, ON CHROMOSOME 19q; Colorectal cancer, susceptibility to, 10. Identifiers: Orphanet 220460, MedGen C2675481, MONDO:0012953, OMIM 612591.

gnomAD v4.1: 1 of 1,607,432 alleles (0.000062%); highest among the groups gnomAD compares: Non-Finnish European, 0.000085%; no homozygotes.

Submissions (2):

Ambry Genetics
Classification: Likely benign for Hereditary cancer-predisposing syndrome. Last evaluated: 2025-08-15. Review status: criteria provided, single submitter. Criteria: Ambry Variant Classification Scheme 2023. Collection method: clinical testing. Allele origin: germline.

Labcorp Genetics (formerly Invitae), Labcorp
Classification: Uncertain significance for POLD1-related polyposis and colorectal cancer syndrome. Last evaluated: 2024-02-01. Review status: criteria provided, single submitter. Criteria: Invitae Variant Classification Sherloc (09022015). Collection method: clinical testing. Allele origin: germline.
Comment: This sequence change replaces glycine, which is neutral and non-polar, with glutamic acid, which is acidic and polar, at codon 12 of the POLD1 protein (p.Gly12Glu). This variant is present in population databases (no rsID available, gnomAD 0.001%). This variant has not been reported in the literature in individuals affected with POLD1-related conditions. Experimental studies and prediction algorithms are not available or were not evaluated, and the functional significance of this variant is currently unknown. In summary, the available evidence is currently insufficient to determine the role of this variant in disease. Therefore, it has been classified as a Variant of Uncertain Significance.